The following is an entry in ClinVar:

ClinVar aggregate classification (germline): Uncertain significance (1 of 4 stars; one submission).

Conditions:
Congenital myotonia, autosomal recessive form. Also called: BECKER DISEASE; Becker Generalized Myotonia; myotonia congenita, autosomal recessive. Identifiers: Orphanet 614, MedGen C0751360, MONDO:0009715, OMIM 255700.
Congenital myotonia, autosomal dominant form (THD). Also called: THOMSEN DISEASE; Myotonia congenita autosomal dominant. Identifiers: Orphanet 614, MedGen C2936781, MONDO:0008055, OMIM 160800.

Allele frequency attached by ClinVar (database versions not stated): gnomAD exomes below 0.00001; TOPMed below 0.00001.
gnomAD v4.1: 5 of 1,614,112 alleles (0.00031%); highest among the groups gnomAD compares: East Asian, 0.0022%; no homozygotes.

Submission:

Labcorp Genetics (formerly Invitae), Labcorp
Classification: Uncertain significance for Congenital myotonia, autosomal recessive form; Congenital myotonia, autosomal dominant form. Last evaluated: 2024-05-01. Review status: criteria provided, single submitter. Criteria: Invitae Variant Classification Sherloc (09022015). Collection method: clinical testing. Allele origin: germline.
Comment: This sequence change replaces proline, which is neutral and non-polar, with serine, which is neutral and polar, at codon 452 of the CLCN1 protein (p.Pro452Ser). This variant is not present in population databases (gnomAD no frequency). This variant has not been reported in the literature in individuals affected with CLCN1-related conditions. ClinVar contains an entry for this variant (Variation ID: 1378861). Advanced modeling of protein sequence and biophysical properties (such as structural, functional, and spatial information, amino acid conservation, physicochemical variation, residue mobility, and thermodynamic stability) has been performed at Invitae for this missense variant, however the output from this modeling did not meet the statistical confidence thresholds required to predict the impact of this variant on CLCN1 protein function. In summary, the available evidence is currently insufficient to determine the role of this variant in disease. Therefore, it has been classified as a Variant of Uncertain Significance.

NM_000083.3(CLCN1):c.1354C>T (p.Pro452Ser)

Gene: CLCN1 (chloride voltage-gated channel 1; plus strand). Cytogenetic location: 7q34.
Variant type: single nucleotide variant.
Coding change: c.1354C>T on transcript NM_000083.3 (MANE Select); coding-DNA position 1354, C replaced by T.
Protein change: p.Pro452Ser; replaces proline 452 with serine.
Molecular consequence: missense variant.
Genome position (GRCh38, 1-based): chr7:143,332,826, C>T. VCF-style: chr7-143332826-C-T. GRCh37 (hg19) VCF-style: chr7-143029919-C-T.
Other names: short protein forms P452S.
Identifiers: ClinVar variation 1378861 (VCV001378861.7), dbSNP rs1416813045, ClinGen allele CA369644258.